The following is an entry in ClinVar:

ClinVar aggregate classification (germline): Pathogenic (1 of 4 stars; one submission).

Conditions:
CHARGE syndrome (CHARGE). Also called: Hittner Hirsch Kreh syndrome; Coloboma, heart anomaly, choanal atresia, retardation, genital and ear anomalies; CHARGE association; Hall-Hittner syndrome; CHARGE ASSOCIATION--COLOBOMA, HEART ANOMALY, CHOANAL ATRESIA, RETARDATION, GENITAL AND EAR ANOMALIES. Identifiers: Orphanet 138, MedGen C0265354, MONDO:0008965.

Submission:

Labcorp Genetics (formerly Invitae), Labcorp
Classification: Pathogenic for CHARGE syndrome. Last evaluated: 2023-10-11. Review status: criteria provided, single submitter. Criteria: Invitae Variant Classification Sherloc (09022015). Collection method: clinical testing. Allele origin: germline.
Comment: This sequence change creates a premature translational stop signal (p.Asn2850Thrfs*37) in the CHD7 gene. While this is not anticipated to result in nonsense mediated decay, it is expected to disrupt the last 148 amino acid(s) of the CHD7 protein. This variant is not present in population databases (gnomAD no frequency). This variant has not been reported in the literature in individuals affected with CHD7-related conditions. ClinVar contains an entry for this variant (Variation ID: 578478). This variant disrupts a region of the CHD7 protein in which other variant(s) (p.Glu2935*) have been determined to be pathogenic (PMID: 19021638). This suggests that this is a clinically significant region of the protein, and that variants that disrupt it are likely to be disease-causing. For these reasons, this variant has been classified as Pathogenic.

Literature cited by the submitters: PubMed 19021638.

NM_017780.4(CHD7):c.8549_8555del (p.Asn2850fs)

Gene: CHD7 (chromodomain helicase DNA binding protein 7; plus strand). Cytogenetic location: 8q12.2.
Variant type: Deletion.
Coding change: c.8549_8555del on transcript NM_017780.4 (MANE Select); coding-DNA positions 8549 to 8555, 7 bases deleted (ATGAAGA; older notation c.8549_8555delATGAAGA).
Protein change: p.Asn2850fs; shifts the reading frame from asparagine 2850.
Molecular consequence: frameshift variant.
Genome position (GRCh38, 1-based): chr8:60,865,488-60,865,494, ATGAAGA deleted; deleting any 7 consecutive bases within chr8:60,865,485-60,865,494 gives the same sequence; the c. name uses the placement nearest the transcript's 3' end. VCF-style (leftmost placement, unchanged base first): chr8-60865484-GAGAATGA-G. GRCh37 (hg19) VCF-style: chr8-61778043-GAGAATGA-G.
Other names: c.2402_2408del, p.Asn801fs (NM_001316690.1); short protein forms N2850fs, N801fs.
Identifiers: ClinVar variation 578478 (VCV000578478.8), dbSNP rs1563674316, ClinGen allele CA891842505.